The following continues an entry in ClinVar:

NM_000256.3(MYBPC3):c.3065G>C (p.Arg1022Pro)

Gene: MYBPC3. ClinVar aggregate classification (germline): Conflicting classifications of pathogenicity. Pathogenic (3); Likely pathogenic (11); Uncertain significance (4).

Submissions 7 to 19 of 19:

OLLIN Analises Genomicas, OLLIN
Classification: Likely pathogenic for Hypertrophic cardiomyopathy 4. Last evaluated: 2025-06-27. Review status: criteria provided, single submitter. Criteria: ACMG Guidelines 2015 PMID 25741868. Collection method: clinical testing. Allele origin: germline. Affected: yes. Observed: 1 variant allele.
Comment: The missense variant (chr11:47333682C>G), located in exon 29 (of 35) and absent in ClinVar, is reported in gnomAD v4.1 non-UKB with an allele frequency of 0.0027%, and in the scientific literature, also segregating with the phenotype, in individuals with hypertrophic cardiomyopathy (PMID: 20433692, 16335287). In silico analysis predicts that this variant has a deleterious effect. According to the currently available evidence and the specific ClinGen criteria for the gene (PMID: 29300372), this variant has been classified as likely pathogenic (PS4, PP1, PP3).

Fulgent Genetics
Classification: Uncertain significance for Hypertrophic cardiomyopathy 4; Left ventricular noncompaction 10. Last evaluated: 2024-05-01. Review status: criteria provided, single submitter. Criteria: ACMG Guidelines, 2015. Collection method: clinical testing. Allele origin: germline.

Blueprint Genetics
Classification: Likely pathogenic for MYBPC3-related disorders. Last evaluated: 2024-04-12. Review status: criteria provided, single submitter. Criteria: ACMG Guidelines, 2015. Collection method: clinical testing. Allele origin: germline. Affected: yes. Observed: 3 variant alleles.

All of Us Research Program, National Institutes of Health
Classification: Uncertain significance for Hypertrophic cardiomyopathy. Last evaluated: 2024-02-05. Review status: criteria provided, single submitter. Criteria: ACMG Guidelines, 2015. Collection method: clinical testing. Allele origin: germline. Inheritance: Autosomal dominant inheritance. Observed: 6 variant alleles, 6 heterozygotes.
Comment: This missense variant replaces arginine with proline at codon 1022 of the MYBPC3 protein. Computational prediction tools and conservation analyses suggest that this variant may have a deleterious impact on the protein function. To our knowledge, functional assays have not been performed for this variant. This variant has been reported in over ten individuals affected with hypertrophic cardiomyopathy (PMID: 20433692, 20624503, 20800588, 22857948, 23396983, 23782526, 24093860, 27532257, 28771489, 30847666, 31983221, 32841044, 32880476, 33495596, 33495597). This variant was observed together with pathogenic variants in different genes that could explain the observed phenotype (PMID: 20624503, 23782526; communication with an external laboratory). This variant has been reported in six affected individuals from two different families, but two possibly affected individuals did not carry this variant (PMID: 20433692). This variant has been identified in 7/278058 chromosomes in the general population by the Genome Aggregation Database (gnomAD). The available evidence is insufficient to determine the role of this variant in disease conclusively. Therefore, this variant has been classified as a Variant of Uncertain Significance.

This study involves interpretation of variants in research participants for the purpose of population health screening. Participant phenotype was not available at the time of variant classification. Additional details can be found in publication PMID: 35346344, PMCID: PMC8962531

Molecular Diagnostic Laboratory for Inherited Cardiovascular Disease, Montreal Heart Institute
Classification: Likely pathogenic for Cardiovascular phenotype. Last evaluated: 2023-06-26. Review status: criteria provided, single submitter. Criteria: ACMG Guidelines, 2015. Collection method: clinical testing. Allele origin: germline. Affected: yes.

CHEO Genetics Diagnostic Laboratory, Children's Hospital of Eastern Ontario
Classification: Likely pathogenic for Cardiomyopathy. Last evaluated: 2022-06-02. Review status: criteria provided, single submitter. Criteria: ACMG Guidelines, 2015. Collection method: clinical testing. Allele origin: germline.

GeneDx
Classification: Uncertain significance. Last evaluated: 2021-04-15. Review status: criteria provided, single submitter. Criteria: GeneDx Variant Classification Process June 2021. Collection method: clinical testing. Allele origin: germline. Affected: yes.
Comment: Identified in six individuals with HCM from two Spanish families, however, two relatives with suspected diagnoses of HCM did not harbor the R1022P variant (Rodriguez-Garcia et al., 2010); In silico analysis supports that this missense variant has a deleterious effect on protein structure/function; This variant is associated with the following publications: (PMID: 20624503, 27600940, 26383716, 22857948, 16335287, 20800588, 23396983, 24093860, 25351510, 27532257, 23782526, 24793961, 26743238, 20433692, 28771489, 29661763, 30847666, 32880476)

Laboratory for Molecular Medicine, Mass General Brigham Personalized Medicine
Classification: Likely pathogenic for Hypertrophic cardiomyopathy. Last evaluated: 2019-08-16. Review status: criteria provided, single submitter. Criteria: LMM Criteria. Collection method: clinical testing. Allele origin: germline. Inheritance: Autosomal dominant inheritance. Observed: 2 variant alleles.
Comment: The p.Arg1022Pro variant has been reported in >15 heterozygous individuals with HCM (Bos 2014, Brito 2005, Brito 2012, Cecconi 2016, Hazebroek 2015, Lopes 2013, Mademont-Soler 2017, Millat 2010, Walsh 2016, van Velzen 2018, Montserrat 2011- pers. comm., LMM data), 1 compound heterozygous individual with HCM (Rodriguez-Garcia 2010), and 1 compound heterozygous individual with DCM (Hazebroek 2015). This variant segregated with disease in 3 affected individuals and was absent in 2 family members with borderline LVH in one family (Rodriguez-Garcia 2010). This variant has been reported in ClinVar (Variation ID: 42682) and has been seen in 0.005% (6/127826) of European chromosomes by gnomAD. Computational prediction tools and conservation analysis are consistent with pathogenicity. In summary, although additional studies are required to fully establish its clinical significance, this variant meets criteria to be classified as likely pathogenic for autosomal dominant HCM. ACMG/AMP Criteria applied: PS4, PM2_Supporting, PP1, PP3.

Equipe Genetique des Anomalies du Developpement, Université de Bourgogne
Classification: Pathogenic for Left ventricular noncompaction 10. Last evaluated: 2019-07-25. Review status: criteria provided, single submitter. Criteria: ACMG Guidelines, 2015. Collection method: clinical testing. Allele origin: unknown. Affected: yes.

Mendelics
Classification: Uncertain significance for Hypertrophic cardiomyopathy 4. Last evaluated: 2019-05-28. Review status: criteria provided, single submitter. Criteria: Mendelics Assertion Criteria 2017. Collection method: clinical testing. Allele origin: unknown.

Clinical Genetics Service, Universitary Hospital 12 de Octubre
Classification: Likely pathogenic for Hypertrophic cardiomyopathy 4. Review status: criteria provided, single submitter. Criteria: ACMG Guidelines, 2015. Collection method: clinical testing. Allele origin: germline. Affected: yes.

Laboratory of Genetics and Molecular Cardiology, University of São Paulo
Classification: Likely pathogenic for Hypertrophic cardiomyopathy 4. Review status: criteria provided, single submitter. Criteria: LGCM Criteria August 2015. Collection method: clinical testing. Allele origin: germline. Inheritance: Autosomal dominant inheritance. Affected: yes. Observed: 1 variant allele. Study: Sarcomeric Human Cardiomyopathy Registry (ShaRe).

Zaffran Lab, Genetics of Cardiac Diseases Laboratory, Marseille Medical Genetics
Classification: Uncertain significance for hypertrophic cardiomyopathy. Review status: no assertion criteria provided. Collection method: research. Allele origin: unknown. Affected: yes. Not counted in ClinVar's aggregate classification.

Literature cited by the submitters: PubMed 20433692 (cited by 10 submitters); PubMed 30847666 (cited by 5 submitters); PubMed 27532257 (cited by 6 submitters); PubMed 33954932 (cited by Victorian Clinical Genetics Services, Murdoch Childrens Research Institute); PubMed 24111713 (cited by Victorian Clinical Genetics Services, Murdoch Childrens Research Institute); PubMed 28356264 (cited by Victorian Clinical Genetics Services, Murdoch Childrens Research Institute); PubMed 39554508 (cited by Victorian Clinical Genetics Services, Murdoch Childrens Research Institute and Color Diagnostics, LLC DBA Color Health); PubMed 36788754 (cited by Victorian Clinical Genetics Services, Murdoch Childrens Research Institute); PubMed 32841044 (cited by Victorian Clinical Genetics Services, Murdoch Childrens Research Institute and All of Us Research Program, National Institutes of Health); PubMed 28408708 (cited by Victorian Clinical Genetics Services, Murdoch Childrens Research Institute); PubMed 22857948 (cited by 5 submitters); PubMed 23396983 (cited by 6 submitters); PubMed 24093860 (cited by 6 submitters); PubMed 28771489 (cited by 6 submitters); PubMed 22765922 (cited by Labcorp Genetics (formerly Invitae), Labcorp); PubMed 28790153 (cited by Labcorp Genetics (formerly Invitae), Labcorp); PubMed 16335287 (cited by 4 submitters); PubMed 20624503 (cited by 6 submitters); PubMed 20800588 (cited by 4 submitters); PubMed 23782526 (cited by 5 submitters); PubMed 25351510 (cited by Ambry Genetics and Dasa); PubMed 26383716 (cited by 3 submitters); PubMed 27600940 (cited by 3 submitters); PubMed 29661763 (cited by Ambry Genetics and Laboratory for Molecular Medicine, Mass General Brigham Personalized Medicine); PubMed 29764897 (cited by Ambry Genetics); PubMed 35208637 (cited by Ambry Genetics and Color Diagnostics, LLC DBA Color Health); PubMed 35626289 (cited by Ambry Genetics and Color Diagnostics, LLC DBA Color Health); PubMed 39633578 (cited by Color Diagnostics, LLC DBA Color Health); PubMed 29300372 (cited by OLLIN Analises Genomicas, OLLIN); PubMed 31983221 (cited by All of Us Research Program, National Institutes of Health); PubMed 32880476 (cited by All of Us Research Program, National Institutes of Health); PubMed 33495596 (cited by All of Us Research Program, National Institutes of Health); PubMed 33495597 (cited by All of Us Research Program, National Institutes of Health); PubMed 24793961 (cited by Laboratory for Molecular Medicine, Mass General Brigham Personalized Medicine).